The following is an entry in ClinVar:

NM_001042492.3(NF1):c.6398T>G (p.Leu2133Arg)

Gene: NF1 (neurofibromin 1; plus strand). Cytogenetic location: 17q11.2.
Variant type: single nucleotide variant.
Coding change: c.6398T>G on transcript NM_001042492.3 (MANE Select); coding-DNA position 6398, T replaced by G.
Protein change: p.Leu2133Arg; replaces leucine 2133 with arginine.
Molecular consequence: missense variant.
Genome position (GRCh38, 1-based): chr17:31,336,885, T>G. VCF-style: chr17-31336885-T-G. GRCh37 (hg19) VCF-style: chr17-29663903-T-G.
Other names: c.6335T>G, p.Leu2112Arg (NM_000267.4); short protein forms L2112R, L2133R.
Identifiers: ClinVar variation 1512038 (VCV001512038.7), dbSNP rs2069690617, ClinGen allele CA399012904.

ClinVar aggregate classification (germline): Likely pathogenic. Review status: criteria provided, multiple submitters, no conflicts (2 of 4 stars). 2 submissions from 2 submitters: Likely pathogenic (2). Last evaluated 2023-12-22.

Conditions:
Neurofibromatosis, type 1 (NF1). Also called: Neurofibromatosis, type I; Peripheral type neurofibromatosis; VON RECKLINGHAUSEN DISEASE; NEUROFIBROMATOSIS, TYPE I, SOMATIC. Identifiers: Orphanet 636, MedGen C0027831, MONDO:0018975, OMIM 162200. Disease mechanism: loss of function.

Submissions (2):

GeneDx
Classification: Likely pathogenic. Last evaluated: 2023-12-22. Review status: criteria provided, single submitter. Criteria: GeneDx Variant Classification Process June 2021. Collection method: clinical testing. Allele origin: germline. Affected: yes.
Comment: Not observed at significant frequency in large population cohorts (gnomAD); Has not been previously published as pathogenic or benign to our knowledge; In silico analysis supports that this missense variant has a deleterious effect on protein structure/function; This variant is associated with the following publications: (PMID: 23656349, 31370276)

Labcorp Genetics (formerly Invitae), Labcorp
Classification: Likely pathogenic for Neurofibromatosis, type 1. Last evaluated: 2021-09-21. Review status: criteria provided, single submitter. Criteria: Invitae Variant Classification Sherloc (09022015). Collection method: clinical testing. Allele origin: germline.
Comment: This sequence change replaces leucine with arginine at codon 2112 of the NF1 protein (p.Leu2112Arg). The leucine residue is highly conserved and there is a moderate physicochemical difference between leucine and arginine. This variant is not present in population databases (ExAC no frequency). This variant has not been reported in the literature in individuals affected with NF1-related conditions. Advanced modeling of protein sequence and biophysical properties (such as structural, functional, and spatial information, amino acid conservation, physicochemical variation, residue mobility, and thermodynamic stability) performed at Invitae indicates that this missense variant is expected to disrupt NF1 protein function. This variant disrupts the p.Leu2112 amino acid residue in NF1. Other variant(s) that disrupt this residue have been observed in individuals with NF1-related conditions (PMID: 23656349, 25074460; Invitae), which suggests that this may be a clinically significant amino acid residue. In summary, the currently available evidence indicates that the variant is pathogenic, but additional data are needed to prove that conclusively. Therefore, this variant has been classified as Likely Pathogenic.

Literature cited by the submitters: PubMed 23656349 (cited by Labcorp Genetics (formerly Invitae), Labcorp); PubMed 25074460 (cited by Labcorp Genetics (formerly Invitae), Labcorp).